The following is an entry in ClinVar:

ClinVar aggregate classification (germline): Uncertain significance (1 of 4 stars; one submission).

gnomAD v4.1: 1 of 1,613,816 alleles (0.000062%); highest among the groups gnomAD compares: Non-Finnish European, 0.000085%; no homozygotes.

Submission:

Labcorp Genetics (formerly Invitae), Labcorp
Classification: Uncertain significance. Last evaluated: 2025-12-23. Review status: criteria provided, single submitter. Criteria: Invitae Variant Classification Sherloc (09022015). Collection method: clinical testing. Allele origin: germline.
Comment: This sequence change replaces valine, which is neutral and non-polar, with isoleucine, which is neutral and non-polar, at codon 508 of the DCHS1 protein (p.Val508Ile). This variant is not present in population databases (gnomAD no frequency). This variant has not been reported in the literature in individuals affected with DCHS1-related conditions. Invitae Evidence Modeling of protein sequence and biophysical properties (such as structural, functional, and spatial information, amino acid conservation, physicochemical variation, residue mobility, and thermodynamic stability) indicates that this missense variant is not expected to disrupt DCHS1 protein function with a negative predictive value of 80%. In summary, the available evidence is currently insufficient to determine the role of this variant in disease. Therefore, it has been classified as a Variant of Uncertain Significance.

NM_003737.4(DCHS1):c.1522G>A (p.Val508Ile)

Gene: DCHS1 (dachsous cadherin-related 1; minus strand). Cytogenetic location: 11p15.4.
Variant type: single nucleotide variant.
Coding change: c.1522G>A on transcript NM_003737.4 (MANE Select); coding-DNA position 1522, G replaced by A.
Protein change: p.Val508Ile; replaces valine 508 with isoleucine.
Molecular consequence: missense variant.
Genome position (GRCh38, 1-based): chr11:6,640,092, C>T on the plus strand (G>A on the coding strand, the complement: DCHS1 is on the minus strand). VCF-style: chr11-6640092-C-T. GRCh37 (hg19) VCF-style: chr11-6661323-C-T.
Other names: short protein forms V508I.
Identifiers: ClinVar variation 4710353 (VCV004710353.1).
Genomic context (GRCh38, chr11:6,640,092, plus strand): 5'-CTGAGGTGGGGTCAATGGAGAACCAGTGGGTGTGGGCGCCAGGGGCTAGGCTATAAGTGA[C>T]CTGACCATTGGTGCCTTGGTCAGGATCCCGAGCAGTCACCCGCACTACAAAGCTGCCAGG-3'
Protein context (NP_003728.1, residues 498-518): RDPDQGTNGQ[Val508Ile]TYSLAPGAHT